The following is an entry in ClinVar:

NM_000264.5(PTCH1):c.3517G>A (p.Val1173Met)

Gene: PTCH1 (patched 1; minus strand). Cytogenetic location: 9q22.32.
Variant type: single nucleotide variant.
Coding change: c.3517G>A on transcript NM_000264.5 (MANE Select); coding-DNA position 3517, G replaced by A.
Protein change: p.Val1173Met; replaces valine 1173 with methionine.
Molecular consequence: missense variant. On other transcripts: non-coding transcript variant (1).
Genome position (GRCh38, 1-based): chr9:95,449,873, C>T on the plus strand (G>A on the coding strand, the complement: PTCH1 is on the minus strand). VCF-style: chr9-95449873-C-T. GRCh37 (hg19) VCF-style: chr9-98212155-C-T.
Other names: c.3319G>A, p.Val1107Met (NM_001083602.3); c.3514G>A, p.Val1172Met (NM_001083603.3); c.3064G>A, p.Val1022Met (NM_001083604.3, NM_001083605.3, NM_001083606.3 and 1 more transcripts); c.3361G>A, p.Val1121Met (NM_001354918.2); short protein forms V1173M, V1022M, V1107M, V1172M, V1121M.
Identifiers: ClinVar variation 647982 (VCV000647982.11), dbSNP rs1588519372, ClinGen allele CA374111501.

ClinVar aggregate classification (germline): Uncertain significance. Review status: criteria provided, multiple submitters, no conflicts (2 of 4 stars). 2 submissions from 2 submitters: Uncertain significance (2). Last evaluated 2025-10-05.

Conditions:
Hereditary cancer-predisposing syndrome. Also called: Hereditary Cancer Syndrome; Tumor predisposition; Neoplastic Syndromes, Hereditary; Hereditary neoplastic syndrome. Identifiers: Orphanet 140162, MedGen C0027672, MeSH D009386, MONDO:0015356.
Gorlin syndrome. Also called: Basal cell nevus syndrome; Nevoid Basal Cell Carcinoma Syndrome. Identifiers: Orphanet 377, MedGen C0004779, MONDO:0007187.

Allele frequency attached by ClinVar (database versions not stated): gnomAD exomes below 0.00001.
gnomAD v4.1: 2 of 1,614,120 alleles (0.00012%); highest among the groups gnomAD compares: Non-Finnish European, 0.000085%; no homozygotes.

Submissions (2):

Labcorp Genetics (formerly Invitae), Labcorp
Classification: Uncertain significance for Gorlin syndrome. Last evaluated: 2025-10-05. Review status: criteria provided, single submitter. Criteria: Invitae Variant Classification Sherloc (09022015). Collection method: clinical testing. Allele origin: germline.
Comment: This sequence change replaces valine, which is neutral and non-polar, with methionine, which is neutral and non-polar, at codon 1173 of the PTCH1 protein (p.Val1173Met). This variant is not present in population databases (gnomAD no frequency). This variant has not been reported in the literature in individuals affected with PTCH1-related conditions. ClinVar contains an entry for this variant (Variation ID: 647982). Invitae Evidence Modeling of protein sequence and biophysical properties (such as structural, functional, and spatial information, amino acid conservation, physicochemical variation, residue mobility, and thermodynamic stability) has been performed for this missense variant. However, the output from this modeling did not meet the statistical confidence thresholds required to predict the impact of this variant on PTCH1 protein function. In summary, the available evidence is currently insufficient to determine the role of this variant in disease. Therefore, it has been classified as a Variant of Uncertain Significance.

Ambry Genetics
Classification: Uncertain significance for Hereditary cancer-predisposing syndrome. Last evaluated: 2024-03-28. Review status: criteria provided, single submitter. Criteria: Ambry Variant Classification Scheme 2023. Collection method: clinical testing. Allele origin: germline.
Comment: The p.V1173M variant (also known as c.3517G>A), located in coding exon 21 of the PTCH1 gene, results from a G to A substitution at nucleotide position 3517. The valine at codon 1173 is replaced by methionine, an amino acid with highly similar properties. This amino acid position is highly conserved in available vertebrate species. In addition, this alteration is predicted to be deleterious by in silico analysis. Since supporting evidence is limited at this time, the clinical significance of this alteration remains unclear.